The following is an entry in ClinVar:

ClinVar aggregate classification (germline): Uncertain significance. Review status: criteria provided, multiple submitters, no conflicts (2 of 4 stars). 5 submissions from 5 submitters: Uncertain significance (5). Last evaluated 2025-11-17.

Conditions:
TTC8-related disorder. Also called: TTC8-related condition.
Bardet-Biedl syndrome (BBS). Identifiers: Orphanet 110, MedGen C0752166, MONDO:0015229.
Inborn genetic diseases. Identifiers: MedGen C0950123, MeSH D030342.
Bardet-Biedl syndrome 8 (BBS8). Identifiers: Orphanet 110, MedGen C1859566, MONDO:0014436, OMIM 615985.
Retinitis pigmentosa 51 (RP51). Identifiers: Orphanet 791, MedGen C3150715, MONDO:0013274, OMIM 613464.

Allele frequency attached by ClinVar (database versions not stated): gnomAD exomes 0.00001 and 0.00002; ExAC 0.00002; gnomAD 0.00005 and 0.00006; TOPMed 0.00008; ESP Exome Variant Server 0.00023.
gnomAD v4.1: 21 of 1,612,550 alleles (0.0013%); highest among the groups gnomAD compares: African/African-American, 0.024%; no homozygotes.

Submissions (5):

PreventionGenetics, part of Exact Sciences
Classification: Uncertain significance for TTC8-related condition. Last evaluated: 2025-11-17. Review status: criteria provided, single submitter. Criteria: ACMG Guidelines, 2015. Collection method: clinical testing. Allele origin: germline.
Comment: The TTC8 c.874G>A variant is predicted to result in the amino acid substitution p.Val292Ile. To our knowledge, this variant has not been reported in the literature. This variant is reported in 0.028% of alleles in individuals of African descent in gnomAD. At this time, the clinical significance of this variant is uncertain due to the absence of conclusive functional and genetic evidence.

Ambry Genetics
Classification: Uncertain significance for Inborn genetic diseases. Last evaluated: 2025-02-14. Review status: criteria provided, single submitter. Criteria: Ambry Variant Classification Scheme 2023. Collection method: clinical testing. Allele origin: germline.

Labcorp Genetics (formerly Invitae), Labcorp
Classification: Uncertain significance for Bardet-Biedl syndrome. Last evaluated: 2024-12-02. Review status: criteria provided, single submitter. Criteria: Invitae Variant Classification Sherloc (09022015). Collection method: clinical testing. Allele origin: germline.
Comment: This sequence change replaces valine, which is neutral and non-polar, with isoleucine, which is neutral and non-polar, at codon 282 of the TTC8 protein (p.Val282Ile). This variant is present in population databases (rs375086490, gnomAD 0.03%). This variant has not been reported in the literature in individuals affected with TTC8-related conditions. ClinVar contains an entry for this variant (Variation ID: 971451). Invitae Evidence Modeling of protein sequence and biophysical properties (such as structural, functional, and spatial information, amino acid conservation, physicochemical variation, residue mobility, and thermodynamic stability) indicates that this missense variant is not expected to disrupt TTC8 protein function with a negative predictive value of 80%. In summary, the available evidence is currently insufficient to determine the role of this variant in disease. Therefore, it has been classified as a Variant of Uncertain Significance.

Fulgent Genetics
Classification: Uncertain significance for Retinitis pigmentosa 51; Bardet-Biedl syndrome 8. Last evaluated: 2024-05-14. Review status: criteria provided, single submitter. Criteria: ACMG Guidelines, 2015. Collection method: clinical testing. Allele origin: germline.

Blueprint Genetics
Classification: Uncertain significance. Last evaluated: 2019-12-09. Review status: criteria provided, single submitter. Criteria: ACMG Guidelines, 2015. Collection method: clinical testing. Allele origin: germline.

NM_144596.4(TTC8):c.874G>A (p.Val292Ile)

Gene: TTC8 (tetratricopeptide repeat domain 8; plus strand). Cytogenetic location: 14q31.3.
Variant type: single nucleotide variant.
Coding change: c.874G>A on transcript NM_144596.4 (MANE Select); coding-DNA position 874, G replaced by A.
Protein change: p.Val292Ile; replaces valine 292 with isoleucine.
Molecular consequence: missense variant. On other transcripts: non-coding transcript variant (1).
Genome position (GRCh38, 1-based): chr14:88,861,297, G>A. VCF-style: chr14-88861297-G-A. GRCh37 (hg19) VCF-style: chr14-89327641-G-A.
Other names: c.922G>A, p.Val308Ile (NM_001288781.1); c.280G>A, p.Val94Ile (NM_001288782.1); c.157G>A, p.Val53Ile (NM_001288783.1); c.844G>A, p.Val282Ile (NM_001366535.2, NM_198309.3); c.754G>A, p.Val252Ile (NM_001366536.2, NM_198310.3); c.874G>A (NM_144596.3); c.844G>A (NM_198309.2); short protein forms V252I, V282I, V308I, V292I, V53I, V94I.
Identifiers: ClinVar variation 971451 (VCV000971451.13), dbSNP rs375086490, ClinGen allele CA7302613.
Genomic context (GRCh38, chr14:88,861,297, plus strand): 5'-GATCAACCTGTGACTGCTTTAAATCTTTTCAAACAAGGCTTAGATAAGTTTCCAGGAGAA[G>A]TAACCCTGCTCTGTGGAATTGCAAGAATCTATGAGGTAATTCATGTTATTATTATTATTA-3'
Protein context (NP_653197.2, residues 282-302): KQGLDKFPGE[Val292Ile]TLLCGIARIY